The following is an entry in ClinVar:

ClinVar aggregate classification (germline): Uncertain significance. Review status: criteria provided, multiple submitters, no conflicts (2 of 4 stars). 2 submissions from 2 submitters: Uncertain significance (2). Last evaluated 2024-07-03.

Conditions:
Episodic ataxia type 2 (EA2). Also called: ATAXIA, EPISODIC, WITH NYSTAGMUS; ATAXIA, FAMILIAL PAROXYSMAL; ACETAZOLAMIDE-RESPONSIVE HEREDITARY PAROXYSMAL CEREBELLAR ATAXIA; EPISODIC ATAXIA, NYSTAGMUS-ASSOCIATED; CEREBELLAR ATAXIA, PAROXYSMAL, ACETAZOLAMIDE-RESPONSIVE; CEREBELLOPATHY, HEREDITARY PAROXYSMAL. Identifiers: Orphanet 97, MedGen C1720416, MONDO:0007163, OMIM 108500.
Developmental and epileptic encephalopathy, 42 (DEE42A). Also called: DEVELOPMENTAL AND EPILEPTIC ENCEPHALOPATHY 42A; EPILEPTIC ENCEPHALOPATHY, EARLY INFANTILE, 42A; Epileptic encephalopathy, early infantile, 42. Identifiers: MedGen C4310716, MONDO:0014917, OMIM 617106.

Allele frequency attached by ClinVar (database versions not stated): gnomAD exomes below 0.00001.
gnomAD v4.1: 5 of 1,537,634 alleles (0.00033%); highest among the groups gnomAD compares: Non-Finnish European, 0.00035%; no homozygotes.

Submissions (2):

Labcorp Genetics (formerly Invitae), Labcorp
Classification: Uncertain significance for Developmental and epileptic encephalopathy, 42; Episodic ataxia type 2. Last evaluated: 2024-07-03. Review status: criteria provided, single submitter. Criteria: Invitae Variant Classification Sherloc (09022015). Collection method: clinical testing. Allele origin: germline.
Comment: This sequence change replaces alanine, which is neutral and non-polar, with threonine, which is neutral and polar, at codon 1010 of the CACNA1A protein (p.Ala1010Thr). This variant is not present in population databases (gnomAD no frequency). This variant has not been reported in the literature in individuals affected with CACNA1A-related conditions. ClinVar contains an entry for this variant (Variation ID: 432959). Advanced modeling of protein sequence and biophysical properties (such as structural, functional, and spatial information, amino acid conservation, physicochemical variation, residue mobility, and thermodynamic stability) performed at Invitae indicates that this missense variant is not expected to disrupt CACNA1A protein function with a negative predictive value of 95%. In summary, the available evidence is currently insufficient to determine the role of this variant in disease. Therefore, it has been classified as a Variant of Uncertain Significance.

GeneDx
Classification: Uncertain significance. Last evaluated: 2017-06-22. Review status: criteria provided, single submitter. Criteria: GeneDx Variant Classification (06012015). Collection method: clinical testing. Allele origin: germline. Affected: yes.
Comment: A variant of uncertain significance has been identified in the CACNA1A gene. The A1010T variant has not been published as a pathogenic variant, nor has it been reported as a benign variant to our knowledge. The A1010T variant is not observed in large population cohorts (Lek et al., 2016; 1000 Genomes Consortium et al., 2015; Exome Variant Server). The A1010T variant is a non-conservative amino acid substitution, which is likely to impact secondary protein structure as these residues differ in polarity, charge, size and/or other properties. However, this substitution occurs at a position that is not conserved. In silico analysis is inconsistent in its predictions as to whether or not the variant is damaging to the protein structure/function. Therefore, based on the currently available information, it is unclear whether this variant is a pathogenic variant or a rare benign variant.

NM_001127222.2(CACNA1A):c.3025G>A (p.Ala1009Thr)

Gene: CACNA1A (calcium voltage-gated channel subunit alpha1 A; minus strand). Cytogenetic location: 19p13.13.
Variant type: single nucleotide variant.
Coding change: c.3025G>A on transcript NM_001127222.2 (MANE Select); coding-DNA position 3025, G replaced by A.
Protein change: p.Ala1009Thr; replaces alanine 1009 with threonine.
Molecular consequence: missense variant.
Genome position (GRCh38, 1-based): chr19:13,298,608, C>T on the plus strand (G>A on the coding strand, the complement: CACNA1A is on the minus strand). VCF-style: chr19-13298608-C-T. GRCh37 (hg19) VCF-style: chr19-13409422-C-T.
Other names: c.3037G>A, p.Ala1013Thr (NM_000068.4, NM_023035.3); c.3028G>A, p.Ala1010Thr (NM_001127221.2, NM_001174080.2); short protein forms A1010T, A1009T, A1013T.
Identifiers: ClinVar variation 432959 (VCV000432959.4), dbSNP rs1555755834, ClinGen allele CA404342226.